The following is an entry in ClinVar:

NC_000023.11:g.101838414G>A

Gene: NXF5 (nuclear RNA export factor 5; minus strand). Cytogenetic location: Xq22.1.
Variant type: single nucleotide variant.
Genome position: GRCh38 VCF-style: chrX-101838414-G-A. GRCh37 (hg19) VCF-style: chrX-101093386-G-A.
Other names: NM_032946.2:c.736-4C>T.
Identifiers: ClinVar variation 3032811 (VCV003032811.2), dbSNP rs778584557, ClinGen allele CA10474561.

ClinVar aggregate classification (germline): Likely benign (0 of 4 stars; one submission).

Conditions:
NXF5-related disorder. Also called: NXF5-related condition.

Allele frequency attached by ClinVar (database versions not stated): ExAC 0.00006.

Submission:

PreventionGenetics, part of Exact Sciences
Classification: Likely benign for NXF5-related condition. Last evaluated: 2021-11-30. Review status: no assertion criteria provided. Collection method: clinical testing. Allele origin: germline.
Comment: This variant is classified as likely benign based on ACMG/AMP sequence variant interpretation guidelines (Richards et al. 2015 PMID: 25741868, with internal and published modifications).